The following is an entry in ClinVar:

ClinVar aggregate classification (germline): Uncertain significance (1 of 4 stars; one submission).

Conditions:
Inborn genetic diseases. Identifiers: MedGen C0950123, MeSH D030342.

Allele frequency attached by ClinVar (database versions not stated): ExAC 0.00001; gnomAD exomes 0.00001.
gnomAD v4.1: 5 of 1,609,644 alleles (0.00031%); highest among the groups gnomAD compares: South Asian, 0.0055%; no homozygotes.

Submission:

Ambry Genetics
Classification: Uncertain significance for Inborn genetic diseases. Last evaluated: 2017-06-16. Review status: criteria provided, single submitter. Criteria: Ambry Variant Classification Scheme 2023. Collection method: clinical testing. Allele origin: germline.
Comment: The p.S159T variant (also known as c.476G>C), located in coding exon 7 of the CLN3 gene, results from a G to C substitution at nucleotide position 476. The serine at codon 159 is replaced by threonine, an amino acid with similar properties. This amino acid position is well conserved in available vertebrate species. In addition, this alteration is predicted to be deleterious by in silico analysis. Since supporting evidence is limited at this time, the clinical significance of this alteration remains unclear.

NM_001042432.2(CLN3):c.476G>C (p.Ser159Thr)

Gene: CLN3 (CLN3 lysosomal/endosomal transmembrane protein, battenin; minus strand). Cytogenetic location: 16p12.1.
Variant type: single nucleotide variant.
Coding change: c.476G>C on transcript NM_001042432.2 (MANE Select); coding-DNA position 476, G replaced by C.
Protein change: p.Ser159Thr; replaces serine 159 with threonine.
Molecular consequence: missense variant.
Genome position (GRCh38, 1-based): chr16:28,486,635, C>G on the plus strand (G>C on the coding strand, the complement: CLN3 is on the minus strand). VCF-style: chr16-28486635-C-G. GRCh37 (hg19) VCF-style: chr16-28497956-C-G.
Other names: c.476G>C, p.Ser159Thr (NM_000086.2); c.404G>C, p.Ser135Thr (NM_001286104.2); c.176G>C, p.Ser59Thr (NM_001286105.2); c.242G>C, p.Ser81Thr (NM_001286109.2); c.314G>C, p.Ser105Thr (NM_001286110.2); short protein forms S159T, S105T, S135T, S81T, S59T.
Identifiers: ClinVar variation 1742957 (VCV001742957.2), dbSNP rs754331166, ClinGen allele CA7980903.